The following is an entry in ClinVar:

NM_001001563.5(TIMM50):c.652C>G (p.Leu218Val)

Gene: TIMM50 (translocase of inner mitochondrial membrane 50; plus strand). Cytogenetic location: 19q13.2.
Variant type: single nucleotide variant.
Coding change: c.652C>G on transcript NM_001001563.5 (MANE Select); coding-DNA position 652, C replaced by G.
Protein change: p.Leu218Val; replaces leucine 218 with valine.
Molecular consequence: missense variant.
Genome position (GRCh38, 1-based): chr19:39,486,451, C>G. VCF-style: chr19-39486451-C-G. GRCh37 (hg19) VCF-style: chr19-39977091-C-G.
Other names: c.313C>G, p.Leu105Val (NM_001329559.2); short protein forms L218V, L105V.
Identifiers: ClinVar variation 2039007 (VCV002039007.4), dbSNP rs2514621281, ClinGen allele CA405787999.
Genomic context (GRCh38, chr19:39,486,451, plus strand): 5'-CCCCAGACTGCGTTTCCACTCATTGATAGTGTGGACCCCCATGGCTTCATCTCCTACCGC[C>G]TATTCCGGGACGCCACAAGATACATGGATGGACACCATGTAAAGGTGCCGTGGGTTCATG-3'
Protein context (NP_001001563.2, residues 208-228): VDPHGFISYR[Leu218Val]FRDATRYMDG

ClinVar aggregate classification (germline): Uncertain significance (1 of 4 stars; one submission).

Submission:

Labcorp Genetics (formerly Invitae), Labcorp
Classification: Uncertain significance. Last evaluated: 2022-06-28. Review status: criteria provided, single submitter. Criteria: Invitae Variant Classification Sherloc (09022015). Collection method: clinical testing. Allele origin: germline.
Comment: This variant is not present in population databases (gnomAD no frequency). This variant has not been reported in the literature in individuals affected with TIMM50-related conditions. Algorithms developed to predict the effect of missense changes on protein structure and function are either unavailable or do not agree on the potential impact of this missense change (SIFT: "Not Available"; PolyPhen-2: "Probably Damaging"; Align-GVGD: "Not Available"). In summary, the available evidence is currently insufficient to determine the role of this variant in disease. Therefore, it has been classified as a Variant of Uncertain Significance. This sequence change replaces leucine, which is neutral and non-polar, with valine, which is neutral and non-polar, at codon 321 of the TIMM50 protein (p.Leu321Val).